The following is an entry in ClinVar:

ClinVar aggregate classification (germline): Pathogenic. Review status: criteria provided, multiple submitters, no conflicts (2 of 4 stars). 4 submissions from 4 submitters: Pathogenic (3). 1 of the submissions does not count toward it. Last evaluated 2025-07-15.

Conditions:
F10-related disorder. Also called: F10-related condition.
Factor X deficiency. Also called: F10 DEFICIENCY. Identifiers: MedGen C0015519, MeSH D005171, MONDO:0002247.

gnomAD v4.1: 23 of 1,609,654 alleles (0.0014%); highest among the groups gnomAD compares: Admixed American, 0.023%; no homozygotes.

Submissions (4):

PreventionGenetics, part of Exact Sciences
Classification: Pathogenic for F10-related condition. Last evaluated: 2025-07-15. Review status: criteria provided, single submitter. Criteria: ACMG Guidelines, 2015. Collection method: clinical testing. Allele origin: germline.
Comment: The F10 c.61G>A variant is predicted to result in the amino acid substitution p.Gly21Arg. This variant has been reported in homozygous or compound heterozygous states in multiple individuals with Factor X deficiency and segregates with disease (Watzke et al. 1991. PubMed ID: 1939653; Mota et al. 2010. PubMed ID: 20331754; Karimi et al. 2008. PubMed ID: 18403394; Mitchell et al. 2019. PubMed ID: 30507709). A functional study showed that the heterozygote variant has 30-40% activity and the homozygote variant has <1% expression compared to wildtype (Watzke et al. 1991. PubMed ID: 1939653). This variant is reported in 0.029% of alleles in individuals of Latino descent in gnomAD. This variant is interpreted as pathogenic.

GeneDx
Classification: Pathogenic. Last evaluated: 2025-03-17. Review status: criteria provided, single submitter. Criteria: GeneDx Variant Classification Process June 2021. Collection method: clinical testing. Allele origin: germline.
Comment: Published functional studies demonstrate a damaging effect on secretion (PMID: 1939653); In silico analysis indicates that this missense variant does not alter protein structure/function; This variant is associated with the following publications: (PMID: 1939653, 20331754, 26891460, 35059555, 18403394, 30507709, 37647632)

Mayo Clinic Laboratories, Mayo Clinic
Classification: Pathogenic. Last evaluated: 2022-01-14. Review status: criteria provided, single submitter. Criteria: ACMG Guidelines, 2015. Collection method: clinical testing. Allele origin: germline.
Comment: PM1, PM2, PS3, PS4_moderate

OMIM
Classification: Pathogenic for FACTOR X DEFICIENCY. Last evaluated: 1993-03-15. Review status: no assertion criteria provided. Collection method: literature only. Allele origin: germline. Not counted in ClinVar's aggregate classification.

Literature cited by the submitters: PubMed 10746568 (cited by Mayo Clinic Laboratories, Mayo Clinic); PubMed 16919077 (cited by Mayo Clinic Laboratories, Mayo Clinic); PubMed 18403394 (cited by Mayo Clinic Laboratories, Mayo Clinic); PubMed 1939653 (cited by Mayo Clinic Laboratories, Mayo Clinic and OMIM); PubMed 20331754 (cited by Mayo Clinic Laboratories, Mayo Clinic); PubMed 21854511 (cited by Mayo Clinic Laboratories, Mayo Clinic); PubMed 30507709 (cited by Mayo Clinic Laboratories, Mayo Clinic); PubMed 31662920 (cited by Mayo Clinic Laboratories, Mayo Clinic); PubMed 8449937 (cited by Mayo Clinic Laboratories, Mayo Clinic and OMIM).

NM_000504.4(F10):c.61G>A (p.Gly21Arg)

Gene: F10 (coagulation factor X; plus strand). Cytogenetic location: 13q34.
Variant type: single nucleotide variant.
Coding change: c.61G>A on transcript NM_000504.4 (MANE Select); coding-DNA position 61, G replaced by A.
Protein change: p.Gly21Arg; replaces glycine 21 with arginine.
Molecular consequence: missense variant.
Genome position (GRCh38, 1-based): chr13:113,122,916, G>A. VCF-style: chr13-113122916-G-A. GRCh37 (hg19) VCF-style: chr13-113777230-G-A.
Other names: F10, G-A, -20; Factor XSanto Domingo; p.Gly21Arg; G-A, -20; c.61G>A, p.Gly21Arg (NM_001312674.2, NM_001312675.2); short protein forms G21R.
Identifiers: ClinVar variation 12058 (VCV000012058.8), dbSNP rs753790195, ClinGen allele CA7060320.